The following is an entry in ClinVar:

NM_001458.5(FLNC):c.4130G>C (p.Gly1377Ala)

Gene: FLNC (filamin C; plus strand). Cytogenetic location: 7q32.1.
Variant type: single nucleotide variant.
Coding change: c.4130G>C on transcript NM_001458.5 (MANE Select); coding-DNA position 4130, G replaced by C.
Protein change: p.Gly1377Ala; replaces glycine 1377 with alanine.
Molecular consequence: missense variant.
Genome position (GRCh38, 1-based): chr7:128,846,747, G>C. VCF-style: chr7-128846747-G-C. GRCh37 (hg19) VCF-style: chr7-128486801-G-C.
Other names: c.4130G>C, p.Gly1377Ala (NM_001127487.2); short protein forms G1377A.
Identifiers: ClinVar variation 2127854 (VCV002127854.4), dbSNP rs2536643450, ClinGen allele CA369200326.

ClinVar aggregate classification (germline): Uncertain significance (1 of 4 stars; one submission).

Conditions:
Myofibrillar myopathy 5. Also called: Filaminopathy (type); FILAMINOPATHY, AUTOSOMAL DOMINANT. Identifiers: Orphanet 171445, MedGen C1836050, MONDO:0012289, OMIM 609524.
Hypertrophic cardiomyopathy 26. Also called: Cardiomyopathy, familial hypertrophic, 26. Identifiers: Orphanet 75249, MedGen C4310749, MONDO:0014883, OMIM 617047.
Distal myopathy with posterior leg and anterior hand involvement. Also called: WILLIAMS DISTAL MYOPATHY. Identifiers: Orphanet 63273, MedGen C3279722, MONDO:0013550, OMIM 614065.

Allele frequency attached by ClinVar (database versions not stated): gnomAD exomes below 0.00001.
gnomAD v4.1: 1 of 1,613,812 alleles (0.000062%); highest among the groups gnomAD compares: Non-Finnish European, 0.000085%; no homozygotes.

Submission:

Labcorp Genetics (formerly Invitae), Labcorp
Classification: Uncertain significance for Distal myopathy with posterior leg and anterior hand involvement; Myofibrillar myopathy 5; Hypertrophic cardiomyopathy 26. Last evaluated: 2022-04-18. Review status: criteria provided, single submitter. Criteria: Invitae Variant Classification Sherloc (09022015). Collection method: clinical testing. Allele origin: germline.
Comment: This variant has not been reported in the literature in individuals affected with FLNC-related conditions. This sequence change replaces glycine, which is neutral and non-polar, with alanine, which is neutral and non-polar, at codon 1377 of the FLNC protein (p.Gly1377Ala). This variant is not present in population databases (gnomAD no frequency). Algorithms developed to predict the effect of missense changes on protein structure and function are either unavailable or do not agree on the potential impact of this missense change (SIFT: "Deleterious"; PolyPhen-2: "Probably Damaging"; Align-GVGD: "Class C0"). Algorithms developed to predict the effect of sequence changes on RNA splicing suggest that this variant may create or strengthen a splice site. In summary, the available evidence is currently insufficient to determine the role of this variant in disease. Therefore, it has been classified as a Variant of Uncertain Significance.